The following is an entry in ClinVar:

NM_025114.4(CEP290):c.1767A>G (p.Ile589Met)

Gene: CEP290 (centrosomal protein 290; minus strand). Cytogenetic location: 12q21.32.
Variant type: single nucleotide variant.
Coding change: c.1767A>G on transcript NM_025114.4 (MANE Select); coding-DNA position 1767, A replaced by G.
Protein change: p.Ile589Met; replaces isoleucine 589 with methionine.
Molecular consequence: missense variant.
Genome position (GRCh38, 1-based): chr12:88,117,090, T>C on the plus strand (A>G on the coding strand, the complement: CEP290 is on the minus strand). VCF-style: chr12-88117090-T-C. GRCh37 (hg19) VCF-style: chr12-88510867-T-C.
Other names: short protein forms I589M.
Identifiers: ClinVar variation 2095284 (VCV002095284.4), dbSNP rs2500868132, ClinGen allele CA385978206.

ClinVar aggregate classification (germline): Uncertain significance (1 of 4 stars; one submission).

Conditions:
Joubert syndrome. Also called: CEREBELLOPARENCHYMAL DISORDER IV; JOUBERT-BOLTSHAUSER SYNDROME; Familial aplasia of the vermis. Identifiers: Orphanet 475, MedGen C5979921, MONDO:0018772.
Nephronophthisis. Also called: Juvenile Nephronophthisis. Identifiers: Orphanet 655, MedGen C0687120, MONDO:0019005, HP:0000090.
Meckel-Gruber syndrome. Also called: DYSENCEPHALIA SPLANCHNOCYSTICA; GRUBER SYNDROME; Dysencephalia splachnocystica. Identifiers: Orphanet 564, MedGen C0265215, MONDO:0018921.

Submission:

Labcorp Genetics (formerly Invitae), Labcorp
Classification: Uncertain significance for Joubert syndrome; Meckel-Gruber syndrome; Nephronophthisis. Last evaluated: 2024-12-16. Review status: criteria provided, single submitter. Criteria: Invitae Variant Classification Sherloc (09022015). Collection method: clinical testing. Allele origin: germline.
Comment: This sequence change replaces isoleucine, which is neutral and non-polar, with methionine, which is neutral and non-polar, at codon 589 of the CEP290 protein (p.Ile589Met). This variant is not present in population databases (gnomAD no frequency). This variant has not been reported in the literature in individuals affected with CEP290-related conditions. ClinVar contains an entry for this variant (Variation ID: 2095284). An algorithm developed to predict the effect of missense changes on protein structure and function outputs the following: PolyPhen-2: "Benign". The methionine amino acid residue is found in multiple mammalian species, which suggests that this missense change does not adversely affect protein function. In summary, the available evidence is currently insufficient to determine the role of this variant in disease. Therefore, it has been classified as a Variant of Uncertain Significance.